The following is an entry in ClinVar:

NM_000218.3(KCNQ1):c.1394-4519A>C

Genes: KCNQ1 (potassium voltage-gated channel subfamily Q member 1; plus strand), KCNQ1OT1 (KCNQ1 opposite strand/antisense transcript 1; minus strand). Cytogenetic location: 11p15.5.
Variant type: single nucleotide variant.
Coding change: c.1394-4519A>C on transcript NM_000218.3 (MANE Select); 4519 bases into the intron before coding-DNA position 1394, A replaced by C.
Molecular consequence: intron variant.
Genome position (GRCh38, 1-based): chr11:2,657,442, A>C. VCF-style: chr11-2657442-A-C. GRCh37 (hg19) VCF-style: chr11-2678672-A-C.
Other names: c.1124-4519A>C (NM_001406837.1); c.1298-4519A>C (NM_001406836.1); c.854-4519A>C (NM_001406838.1); c.1013-4519A>C (NM_181798.2).
Identifiers: ClinVar variation 2578636 (VCV002578636.25), dbSNP rs377708628, ClinGen allele CA216167507.
Genomic context (GRCh38, chr11:2,657,442, plus strand): 5'-CTTACTAAAGTTTTACAATTTTCTCCAGAGTTCTTGCATATACTTAGTTAGATAATTAAT[A>C]TTCTTTTGTGCTATTGTATACAGGTTCTGTTTTCTCTTGTTACCTCACATTTTTTATTTA-3'

ClinVar aggregate classification (germline): Benign (1 of 4 stars; one submission).

Allele frequency attached by ClinVar (database versions not stated): TOPMed 0.00005; gnomAD exomes 0.00010; gnomAD 0.00027; 1000 Genomes Project 0.00100; 1000 Genomes Project 30x 0.00125.
gnomAD v4.1: 65 of 398,528 alleles (0.016%); highest among the groups gnomAD compares: South Asian, 0.78%; no homozygotes.

Submission:

CeGaT Center for Human Genetics Tuebingen
Classification: Benign. Last evaluated: 2025-11-01. Review status: criteria provided, single submitter. Criteria: CeGaT Center For Human Genetics Tuebingen Variant Classification Criteria Version 2. Collection method: clinical testing. Allele origin: germline. Affected: yes. Observed: 2 variant alleles.
Comment: KCNQ1OT1: BS1, BS2